The following is an entry in ClinVar:

NM_002850.4(PTPRS):c.3617G>A (p.Arg1206Gln)

Gene: PTPRS (protein tyrosine phosphatase receptor type S; minus strand). Cytogenetic location: 19p13.3.
Variant type: single nucleotide variant.
Coding change: c.3617G>A on transcript NM_002850.4 (MANE Select); coding-DNA position 3617, G replaced by A.
Protein change: p.Arg1206Gln; replaces arginine 1206 with glutamine.
Molecular consequence: missense variant.
Genome position (GRCh38, 1-based): chr19:5,220,087, C>T on the plus strand (G>A on the coding strand, the complement: PTPRS is on the minus strand). VCF-style: chr19-5220087-C-T. GRCh37 (hg19) VCF-style: chr19-5220098-C-T.
Other names: c.3551G>A, p.Arg1184Gln (NM_001394011.1, NM_001394013.1, NM_130854.3); c.3578G>A, p.Arg1193Gln (NM_001394012.1); c.2324G>A, p.Arg775Gln (NM_130853.3); c.2336G>A, p.Arg779Gln (NM_130855.3); short protein forms R1184Q, R779Q, R1193Q, R775Q, R1206Q.
Identifiers: ClinVar variation 4980524 (VCV004980524.1).

ClinVar aggregate classification (germline): Likely benign (1 of 4 stars; one submission).

Conditions:
PTPRS-related disorder. Also called: PTPRS-related condition.

gnomAD v4.1: 2,136 of 1,613,866 alleles (0.13%); highest among the groups gnomAD compares: Non-Finnish European, 0.16%; 1 homozygote.

Submission:

PreventionGenetics, part of Exact Sciences
Classification: Likely benign for PTPRS-related condition. Last evaluated: 2024-12-30. Review status: criteria provided, single submitter. Criteria: ACMG Guidelines, 2015. Collection method: clinical testing. Allele origin: germline.
Comment: This variant is classified as likely benign based on ACMG/AMP sequence variant interpretation guidelines (Richards et al. 2015 PMID: 25741868, with internal and published modifications).